The following is an entry in ClinVar:

NM_181332.3(NLGN4X):c.421G>T (p.Asp141Tyr)

Gene: NLGN4X (neuroligin 4 X-linked; minus strand). Cytogenetic location: Xp22.31.
Variant type: single nucleotide variant.
Coding change: c.421G>T on transcript NM_181332.3 (MANE Select); coding-DNA position 421, G replaced by T.
Protein change: p.Asp141Tyr; replaces aspartic acid 141 with tyrosine.
Molecular consequence: missense variant.
Genome position (GRCh38, 1-based): chrX:6,151,046, C>A on the plus strand (G>T on the coding strand, the complement: NLGN4X is on the minus strand). VCF-style: chrX-6151046-C-A. GRCh37 (hg19) VCF-style: chrX-6069087-C-A.
Other names: c.421G>T, p.Asp141Tyr (NM_001282145.2, NM_001282146.2, NM_020742.4); short protein forms D141Y.
Identifiers: ClinVar variation 2503279 (VCV002503279.1), dbSNP rs2519420542, ClinGen allele CA412014770.
Genomic context (GRCh38, chrX:6,151,046, plus strand): 5'-GGTACTCACCATCTTCCGTGGGCACGTAGATGTTTAAGTAAAGGCAGTCTTCATTTTGAT[C>A]TTGAACATAGGTCATCAAAGTATCCAAATTGGCGGTAAACCAGATGGGCAGCATGTCATG-3'
Protein context (NP_851849.1, residues 131-151): NLDTLMTYVQ[Asp141Tyr]QNEDCLYLNI

ClinVar aggregate classification (germline): Uncertain significance (1 of 4 stars; one submission).

Submission:

GeneDx
Classification: Uncertain significance. Last evaluated: 2022-11-29. Review status: criteria provided, single submitter. Criteria: GeneDx Variant Classification Process June 2021. Collection method: clinical testing. Allele origin: germline. Affected: yes.
Comment: Not observed at significant frequency in large population cohorts (gnomAD); In silico analysis supports that this missense variant has a deleterious effect on protein structure/function; Has not been previously published as pathogenic or benign to our knowledge